The following is an entry in ClinVar:

NM_003722.5(TP63):c.1483A>G (p.Ile495Val)

Gene: TP63 (tumor protein p63; plus strand). Cytogenetic location: 3q28.
Variant type: single nucleotide variant.
Coding change: c.1483A>G on transcript NM_003722.5 (MANE Select); coding-DNA position 1483, A replaced by G.
Protein change: p.Ile495Val; replaces isoleucine 495 with valine.
Molecular consequence: missense variant.
Genome position (GRCh38, 1-based): chr3:189,886,527, A>G. VCF-style: chr3-189886527-A-G. GRCh37 (hg19) VCF-style: chr3-189604316-A-G.
Other names: c.1483A>G, p.Ile495Val (NM_001114978.2, NM_001329144.2); c.1201A>G, p.Ile401Val (NM_001114980.2, NM_001114981.2, NM_001329145.2); c.946A>G, p.Ile316Val (NM_001329146.2); c.1471A>G, p.Ile491Val (NM_001329148.2); c.1189A>G, p.Ile397Val (NM_001329149.2); c.934A>G, p.Ile312Val (NM_001329150.2); c.1477A>G, p.Ile493Val (NM_001329964.2); short protein forms I397V, I495V, I401V, I491V, I312V, I316V, I493V.
Identifiers: ClinVar variation 2919149 (VCV002919149.2), dbSNP rs373849345, ClinGen allele CA2752493.

ClinVar aggregate classification (germline): Uncertain significance (1 of 4 stars; one submission).

Conditions:
TP63-Related Spectrum Disorders.

Allele frequency attached by ClinVar (database versions not stated): gnomAD exomes below 0.00001; ExAC 0.00001; gnomAD 0.00001; TOPMed 0.00001; ESP Exome Variant Server 0.00008.
gnomAD v4.1: 5 of 1,613,894 alleles (0.00031%); highest among the groups gnomAD compares: African/African-American, 0.0013%; no homozygotes.

Submission:

Labcorp Genetics (formerly Invitae), Labcorp
Classification: Uncertain significance. Last evaluated: 2025-01-23. Review status: criteria provided, single submitter. Criteria: Invitae Variant Classification Sherloc (09022015). Collection method: clinical testing. Allele origin: germline.
Comment: This sequence change replaces isoleucine, which is neutral and non-polar, with valine, which is neutral and non-polar, at codon 495 of the TP63 protein (p.Ile495Val). This variant is present in population databases (rs373849345, gnomAD 0.0009%). This variant has not been reported in the literature in individuals affected with TP63-related conditions. ClinVar contains an entry for this variant (Variation ID: 2919149). Invitae Evidence Modeling of protein sequence and biophysical properties (such as structural, functional, and spatial information, amino acid conservation, physicochemical variation, residue mobility, and thermodynamic stability) indicates that this missense variant is not expected to disrupt TP63 protein function with a negative predictive value of 80%. In summary, the available evidence is currently insufficient to determine the role of this variant in disease. Therefore, it has been classified as a Variant of Uncertain Significance.